The following is an entry in ClinVar:

ClinVar aggregate classification (germline): Benign. Review status: criteria provided, multiple submitters, no conflicts (2 of 4 stars). 4 submissions from 3 submitters: Benign (4). Last evaluated 2026-01-26.

Conditions:
Atrichia with papular lesions (APL). Also called: PAPULAR ATRICHIA. Identifiers: Orphanet 86819, MedGen C1859592, MONDO:0008847, OMIM 209500.
Alopecia universalis congenita (ALUNC). Also called: ATRICHIA, GENERALIZED. Identifiers: Orphanet 701, MedGen C1859877, MONDO:0008757, OMIM 203655.

Allele frequency attached by ClinVar (database versions not stated): ESP Exome Variant Server 0.00024; gnomAD exomes 0.00120 and 0.00521; gnomAD 0.00196 and 0.00218; TOPMed 0.00424; ExAC 0.00450; 1000 Genomes Project 0.00699; 1000 Genomes Project 30x 0.00734.
gnomAD v4.1: 2,087 of 1,612,402 alleles (0.13%); highest among the groups gnomAD compares: Admixed American, 2.6%; 35 homozygotes.

Submissions (4):

Labcorp Genetics (formerly Invitae), Labcorp
Classification: Benign. Last evaluated: 2026-01-26. Review status: criteria provided, single submitter. Criteria: Invitae Variant Classification Sherloc (09022015). Collection method: clinical testing. Allele origin: germline.

Illumina Laboratory Services, Illumina
Classification: Benign for Alopecia universalis congenita. Last evaluated: 2018-01-12. Review status: criteria provided, single submitter. Criteria: ICSL Variant Classification Criteria 13 December 2019. Collection method: clinical testing. Allele origin: germline.
Comment: This variant was observed in the ICSL laboratory as part of a predisposition screen in an ostensibly healthy population. It had not been previously curated by ICSL or reported in the Human Gene Mutation Database (HGMD: prior to June 1st, 2018), and was therefore a candidate for classification through an automated scoring system. Utilizing variant allele frequency, disease prevalence and penetrance estimates, and inheritance mode, an automated score was calculated to assess if this variant is too frequent to cause the disease. Based on the score and internal cut-off values, a variant classified as benign is not then subjected to further curation. The score for this variant resulted in a classification of benign for this disease.

Illumina Laboratory Services, Illumina
Classification: Benign for Atrichia with papular lesions. Last evaluated: 2018-01-12. Review status: criteria provided, single submitter. Criteria: ICSL Variant Classification Criteria 13 December 2019. Collection method: clinical testing. Allele origin: germline.
Comment: the same text as in the submission from Illumina Laboratory Services, Illumina above.

Breakthrough Genomics
Classification: Benign. Review status: criteria provided, single submitter. Criteria: ACMG Guidelines, 2015. Collection method: not provided. Allele origin: germline. Inheritance: Autosomal recessive inheritance. Affected: yes.

NM_005144.5(HR):c.1380C>T (p.Asp460=)

Gene: HR (HR lysine demethylase and nuclear receptor corepressor; minus strand). Cytogenetic location: 8p21.3.
Variant type: single nucleotide variant.
Coding change: c.1380C>T on transcript NM_005144.5 (MANE Select); coding-DNA position 1380, C replaced by T.
Protein change: p.Asp460=; no amino-acid change (aspartic acid 460 retained).
Molecular consequence: synonymous variant.
Genome position (GRCh38, 1-based): chr8:22,127,062, G>A on the plus strand (C>T on the coding strand, the complement: HR is on the minus strand). VCF-style: chr8-22127062-G-A. GRCh37 (hg19) VCF-style: chr8-21984575-G-A.
Other names: c.1380C>T, p.Asp460= (NM_018411.4).
Identifiers: ClinVar variation 908155 (VCV000908155.9), dbSNP rs147308644, ClinGen allele CA4662501.